The following is an entry in ClinVar:

ClinVar aggregate classification (germline): Likely pathogenic. Review status: criteria provided, multiple submitters, no conflicts (2 of 4 stars). 2 submissions from 2 submitters: Likely pathogenic (2). Last evaluated 2023-05-09.

Conditions:
Spastic ataxia 8, autosomal recessive, with hypomyelinating leukodystrophy (SPAX8). Identifiers: Orphanet 527497, MedGen C4479653, MONDO:0033043, OMIM 617560.

Submissions (2):

Centre for Inherited Metabolic Diseases, Karolinska University Hospital
Classification: Likely pathogenic for Spastic ataxia 8, autosomal recessive, with hypomyelinating leukodystrophy. Last evaluated: 2023-05-09. Review status: criteria provided, single submitter. Criteria: ACMG Guidelines, 2015. Collection method: clinical testing. Allele origin: inherited. Inheritance: Autosomal recessive inheritance. Affected: yes. Observed: 1 homozygote.

GeneDx
Classification: Likely pathogenic. Last evaluated: 2018-01-10. Review status: criteria provided, single submitter. Criteria: GeneDx Variant Classification (06012015). Collection method: clinical testing. Allele origin: germline. Affected: yes.
Comment: The c.234delG variant in the NKX6-2 gene has not been reported previously as a pathogenic variant nor as a benign variant, to our knowledge. The c.234delG variant causes a frameshift starting with codon Leucine 79, changes this amino acid to a Cysteine residue, and creates a premature Stop codon at position 109 of the new reading frame, denoted p.Leu79CysfsX109. This variant is predicted to cause loss of normal protein function through protein truncation as the last 199 amino acids of the protein are lost and replaced with 108 incorrect amino acids. The c.234delG variant is not observed in large population cohorts (Lek et al., 2016). We interpret c.234delG as a likely pathogenic variant.

NM_177400.3(NKX6-2):c.234del (p.Leu79fs)

Gene: NKX6-2 (NK6 homeobox 2; minus strand). Cytogenetic location: 10q26.3.
Variant type: Deletion.
Coding change: c.234del on transcript NM_177400.3 (MANE Select); coding-DNA position 234, one base deleted (G; older notation c.234delG).
Protein change: p.Leu79fs; shifts the reading frame from leucine 79.
Molecular consequence: frameshift variant.
Genome position (GRCh38, 1-based): chr10:132,785,715, C deleted on the plus strand (G on the coding strand, the reverse complement: NKX6-2 is on the minus strand); the first of 7 consecutive C bases (chr10:132,785,715-132,785,721); deleting any one gives the same sequence. VCF-style (leftmost placement, unchanged base first): chr10-132785714-GC-G. GRCh37 (hg19) VCF-style: chr10-134599218-GC-G.
Other names: short protein forms L79fs.
Identifiers: ClinVar variation 504099 (VCV000504099.3), dbSNP rs765650727, ClinGen allele CA5756130.